The following is an entry in ClinVar:

NM_000330.4(RS1):c.623T>C (p.Val208Ala)

Genes: CDKL5 (cyclin dependent kinase like 5; plus strand), RS1 (retinoschisin 1; minus strand). Cytogenetic location: Xp22.13.
Variant type: single nucleotide variant.
Coding change: c.623T>C on transcript NM_000330.4 (MANE Select); coding-DNA position 623, T replaced by C.
Protein change: p.Val208Ala; replaces valine 208 with alanine.
Molecular consequence: missense variant. On other transcripts: intron variant (2).
Genome position (GRCh38, 1-based): chrX:18,642,056, A>G on the plus strand (T>C on the coding strand, the complement: RS1 is on the minus strand). VCF-style: chrX-18642056-A-G. GRCh37 (hg19) VCF-style: chrX-18660176-A-G.
Other names: c.2714-3951A>G (NM_003159.3, NM_001037343.2); short protein forms V208A.
Identifiers: ClinVar variation 3768493 (VCV003768493.1).

ClinVar aggregate classification (germline): Uncertain significance (1 of 4 stars; one submission).

Submission:

Women's Health and Genetics/Laboratory Corporation of America, LabCorp
Classification: Uncertain significance. Last evaluated: 2024-12-20. Review status: criteria provided, single submitter. Criteria: LabCorp Variant Classification Summary - May 2015. Collection method: clinical testing. Allele origin: germline.
Comment: Variant summary: RS1 c.623T>C (p.Val208Ala) results in a non-conservative amino acid change located in the Coagulation factor 5/8 C-terminal domain, discoidin domain (IPR000421) of the encoded protein sequence. Four of five in-silico tools predict a damaging effect of the variant on protein function. The variant was absent in 183177 control chromosomes. The available data on variant occurrences in the general population are insufficient to allow any conclusion about variant significance. c.623T>C has been reported in the literature in one individual affected with X-linked retinoschisis (Chen_2020). These report(s) do not provide unequivocal conclusions about association of the variant with Juvenile Retinoschisis. To our knowledge, no experimental evidence demonstrating an impact on protein function has been reported. The following publication has been ascertained in the context of this evaluation (PMID: 32300273). No submitters have cited clinical-significance assessments for this variant to ClinVar. Based on the evidence outlined above, the variant was classified as uncertain significance.

Literature cited by the submitters: PubMed 32300273.